The following is an entry in ClinVar:

ClinVar aggregate classification (germline): Likely benign (1 of 4 stars; one submission).

Allele frequency attached by ClinVar (database versions not stated): 1000 Genomes Project 0.00180; 1000 Genomes Project 30x 0.00219; gnomAD 0.00320; TOPMed 0.00355.
gnomAD v4.1: 499 of 152,312 alleles (0.33%); highest among the groups gnomAD compares: Middle Eastern, 1.4%; 1 homozygote.

Submission:

CeGaT Center for Human Genetics Tuebingen
Classification: Likely benign. Last evaluated: 2022-11-01. Review status: criteria provided, single submitter. Criteria: CeGaT Center For Human Genetics Tuebingen Variant Classification Criteria Version 2. Collection method: clinical testing. Allele origin: germline. Affected: yes. Observed: 1 variant allele.
Comment: CTCF: BS1

NM_006565.4(CTCF):c.-127+3129G>T

Gene: CTCF (CCCTC-binding factor; plus strand). Cytogenetic location: 16q22.1.
Variant type: single nucleotide variant.
Coding change: c.-127+3129G>T on transcript NM_006565.4 (MANE Select); 3129 bases into the intron after 127 bases upstream of the start codon, G replaced by T.
Molecular consequence: intron variant.
Genome position (GRCh38, 1-based): chr16:67,565,853, G>T. VCF-style: chr16-67565853-G-T. GRCh37 (hg19) VCF-style: chr16-67599756-G-T.
Other names: c.-150+3129G>T (NM_001191022.2).
Identifiers: ClinVar variation 2646625 (VCV002646625.24), dbSNP rs111278790, ClinGen allele CA282348510.
Genomic context (GRCh38, chr16:67,565,853, plus strand): 5'-TTAGGATTTTATTTTAAAGTACACACGCAAATGGGGGCACTCACCTGGGACTTCTGAATG[G>T]CTTGGGGAGTTCCTTGGTGGAAGCCACTTGTGGCTGACTTAAGGCCCTGGGGAGGAATCC-3'